The following is an entry in ClinVar:

NM_001130965.3(SUN1):c.1263+4G>A

Gene: SUN1 (Sad1 and UNC84 domain containing 1; plus strand). Cytogenetic location: 7p22.3.
Variant type: single nucleotide variant.
Coding change: c.1263+4G>A on transcript NM_001130965.3 (MANE Select); 4 bases into the intron after coding-DNA position 1263, G replaced by A.
Molecular consequence: intron variant.
Genome position (GRCh38, 1-based): chr7:853,622, G>A. VCF-style: chr7-853622-G-A. GRCh37 (hg19) VCF-style: chr7-893259-G-A.
Other names: c.1263+4G>A (NM_001367634.1, NM_001367633.1, NM_001367653.1); c.1677+4G>A (NM_001367651.1); c.1290+4G>A (NM_001367669.1); c.1656+4G>A (NM_001367705.1, NM_001367703.1); c.1653+4G>A (NM_001367678.1, NM_001367699.1, NM_001367687.1); c.1554+4G>A (NM_001367690.1); c.1545+4G>A (NM_001367641.1, NM_001367682.1); c.1542+4G>A (NM_001367698.1); and 44 more.
Identifiers: ClinVar variation 2196408 (VCV002196408.4), dbSNP rs752485716, ClinGen allele CA2578805800.

ClinVar aggregate classification (germline): Uncertain significance (1 of 4 stars; one submission).

Conditions:
Emery-Dreifuss muscular dystrophy (EDMD). Also called: Scapuloperoneal syndrome, X-linked (formerly); Humeroperoneal neuromuscular disease, (formerly). Identifiers: Orphanet 261, MedGen C0410189, MONDO:0016830.

gnomAD v4.1: 3 of 1,599,282 alleles (0.00019%); highest among the groups gnomAD compares: Non-Finnish European, 0.00017%; no homozygotes.

Submission:

Labcorp Genetics (formerly Invitae), Labcorp
Classification: Uncertain significance for Emery-Dreifuss muscular dystrophy. Last evaluated: 2025-09-08. Review status: criteria provided, single submitter. Criteria: Invitae Variant Classification Sherloc (09022015). Collection method: clinical testing. Allele origin: germline.
Comment: This sequence change falls in intron 10 of the SUN1 gene. It does not directly change the encoded amino acid sequence of the SUN1 protein. It affects a nucleotide within the consensus splice site. This variant is not present in population databases (gnomAD no frequency). This variant has not been reported in the literature in individuals affected with SUN1-related conditions. ClinVar contains an entry for this variant (Variation ID: 2196408). Variants that disrupt the consensus splice site are a relatively common cause of aberrant splicing (PMID: 17576681, 9536098). Algorithms developed to predict the effect of sequence changes on RNA splicing suggest that this variant is not likely to affect RNA splicing. In summary, the available evidence is currently insufficient to determine the role of this variant in disease. Therefore, it has been classified as a Variant of Uncertain Significance.

Literature cited by the submitters: PubMed 17576681; PubMed 9536098.